The following is an entry in ClinVar:

NM_001042492.3(NF1):c.163dup (p.Ile55fs)

Gene: NF1 (neurofibromin 1; plus strand). Cytogenetic location: 17q11.2.
Variant type: Duplication.
Coding change: c.163dup on transcript NM_001042492.3 (MANE Select); coding-DNA position 163, one base duplicated (A; older notation c.163dupA).
Protein change: p.Ile55fs; shifts the reading frame from isoleucine 55.
Molecular consequence: frameshift variant.
Genome position (GRCh38, 1-based): chr17:31,156,085, A duplicated. VCF-style (leftmost placement, unchanged base first): chr17-31156084-T-TA. GRCh37 (hg19) VCF-style: chr17-29483102-T-TA.
Other names: c.163dup, p.Ile55fs (NM_000267.4, NM_001128147.3); short protein forms I55fs.
Identifiers: ClinVar variation 5016461 (VCV005016461.1).

ClinVar aggregate classification (germline): Pathogenic (1 of 4 stars; one submission).

Conditions:
Neurofibromatosis, type 1 (NF1). Also called: VON RECKLINGHAUSEN DISEASE; NEUROFIBROMATOSIS, TYPE I, SOMATIC; Peripheral type neurofibromatosis; Neurofibromatosis, type I. Identifiers: Orphanet 636, MedGen C0027831, MONDO:0018975, OMIM 162200. Disease mechanism: loss of function.

Submission:

Cinical Genetics Unit, Division of Endocrinology and Metabolism, Aichi Medical University School of Medicine
Classification: Pathogenic for Neurofibromatosis, type 1. Last evaluated: 2026-09-04. Review status: criteria provided, single submitter. Criteria: ACMG Guidelines, 2015. Collection method: clinical testing. Allele origin: germline. Inheritance: Autosomal dominant inheritance. Affected: yes. Observed: 1 variant allele, 1 heterozygote.
Comment: Classified as Pathogenic based on ACMG/AMP criteria: PVS1 (frameshift LoF variant), PM2_Supporting (absent from population databases), and PS4 (patient meets NIH clinical diagnostic criteria for NF1).

Literature cited by the submitters: PubMed 35612258.